The following is an entry in ClinVar:

ClinVar aggregate classification (germline): Uncertain significance. Review status: criteria provided, multiple submitters, no conflicts (2 of 4 stars). 6 submissions from 6 submitters: Uncertain significance (6). Last evaluated 2025-12-08.

Conditions:
Inborn genetic diseases. Identifiers: MedGen C0950123, MeSH D030342.
Elliptocytosis 1 (EL1). Also called: ELLIPTOCYTOSIS, RHESUS-LINKED TYPE; PROTEIN 4.1 OF ERYTHROCYTE MEMBRANE, DEFECT OF; 4.1- TRAIT; 4.1-MINUS TRAIT. Identifiers: Orphanet 288, MedGen C2678497, MONDO:0012731, OMIM 611804.

Allele frequency attached by ClinVar (database versions not stated): 1000 Genomes Project 0.00020; 1000 Genomes Project 30x 0.00031; ExAC 0.00032; ESP Exome Variant Server 0.00038; gnomAD exomes 0.00043 and 0.00082; gnomAD 0.00055; TOPMed 0.00061.
gnomAD v4.1: 1,276 of 1,613,488 alleles (0.079%); highest among the groups gnomAD compares: Admixed American, 0.11%; 1 homozygote.

Submissions (6):

Labcorp Genetics (formerly Invitae), Labcorp
Classification: Uncertain significance. Last evaluated: 2025-12-08. Review status: criteria provided, single submitter. Criteria: Invitae Variant Classification Sherloc (09022015). Collection method: clinical testing. Allele origin: germline.
Comment: This sequence change replaces arginine, which is basic and polar, with cysteine, which is neutral and slightly polar, at codon 539 of the EPB41 protein (p.Arg539Cys). This variant is present in population databases (rs148459745, gnomAD 0.1%). This variant has not been reported in the literature in individuals affected with EPB41-related conditions. ClinVar contains an entry for this variant (Variation ID: 1693853). Invitae Evidence Modeling of protein sequence and biophysical properties (such as structural, functional, and spatial information, amino acid conservation, physicochemical variation, residue mobility, and thermodynamic stability) indicates that this missense variant is expected to disrupt EPB41 protein function with a positive predictive value of 80%. In summary, the available evidence is currently insufficient to determine the role of this variant in disease. Therefore, it has been classified as a Variant of Uncertain Significance.

Mayo Clinic Laboratories, Mayo Clinic
Classification: Uncertain significance. Last evaluated: 2025-06-24. Review status: criteria provided, single submitter. Criteria: ACMG Guidelines, 2015. Collection method: clinical testing. Allele origin: germline. Observed: 3 variant alleles.
Comment: PP3_moderate

Center for Genomic Medicine, Rigshospitalet, Copenhagen University Hospital
Classification: Uncertain significance. Last evaluated: 2025-03-04. Review status: criteria provided, single submitter. Criteria: ACMG Guidelines, 2015. Collection method: clinical testing. Allele origin: germline.

Blueprint Genetics
Classification: Uncertain significance. Last evaluated: 2024-10-21. Review status: criteria provided, single submitter. Criteria: ACMG Guidelines, 2015. Collection method: clinical testing. Allele origin: germline.

Revvity Omics, Revvity
Classification: Uncertain significance for Elliptocytosis 1. Last evaluated: 2024-07-24. Review status: criteria provided, single submitter. Criteria: ACMG Guidelines, 2015. Collection method: clinical testing. Allele origin: germline.

Ambry Genetics
Classification: Uncertain significance for Inborn genetic diseases. Last evaluated: 2022-08-02. Review status: criteria provided, single submitter. Criteria: Ambry Variant Classification Scheme 2023. Collection method: clinical testing. Allele origin: germline.

NM_001376013.1(EPB41):c.2443C>T (p.Arg815Cys)

Gene: EPB41 (erythrocyte membrane protein band 4.1; plus strand). Cytogenetic location: 1p35.3.
Variant type: single nucleotide variant.
Coding change: c.2443C>T on transcript NM_001376013.1 (MANE Select); coding-DNA position 2443, C replaced by T.
Protein change: p.Arg815Cys; replaces arginine 815 with cysteine.
Molecular consequence: missense variant.
Genome position (GRCh38, 1-based): chr1:29,112,395, C>T. VCF-style: chr1-29112395-C-T. GRCh37 (hg19) VCF-style: chr1-29438907-C-T.
Other names: p.Arg815Cys; c.2443C>T, p.Arg815Cys (NM_001166005.2); c.1654C>T, p.Arg552Cys (NM_001166007.2); c.2374C>T, p.Arg792Cys (NM_001376014.1); c.2338C>T, p.Arg780Cys (NM_001376015.1); c.1816C>T, p.Arg606Cys (NM_001376022.1); c.1615C>T, p.Arg539Cys (NM_004437.4); c.1774C>T, p.Arg592Cys (NM_203342.3); and 2 more; short protein forms R539C, R552C, R592C, R606C, R726C, R780C, R792C, R815C.
Identifiers: ClinVar variation 1693853 (VCV001693853.15), dbSNP rs148459745, ClinGen allele CA724840.
Genomic context (GRCh38, chr1:29,112,395, plus strand): 5'-TGATCTCATATGACATCTTCTCTTTGGTTCCAGACTGTAAAAGGTGGGATTTCAGAGACA[C>T]GTATTGAAAAGAGAATTGTGATCACAGGAGATGCTGATATTGACCATGATCAGGTGGGAA-3'
Protein context (NP_001362942.1, residues 805-825): KTVKGGISET[Arg815Cys]IEKRIVITGD